The following is an entry in ClinVar:

ClinVar aggregate classification (germline): Uncertain significance. Review status: criteria provided, multiple submitters, no conflicts (2 of 4 stars). 2 submissions from 2 submitters: Uncertain significance (2). Last evaluated 2025-08-18.

Conditions:
FAN1-related disorder. Also called: FAN1-related condition.
Inborn genetic diseases. Identifiers: MedGen C0950123, MeSH D030342.

gnomAD v4.1: 1 of 1,613,074 alleles (0.000062%); no homozygotes.

Submissions (2):

PreventionGenetics, part of Exact Sciences
Classification: Uncertain significance for FAN1-related condition. Last evaluated: 2025-08-18. Review status: criteria provided, single submitter. Criteria: ACMG Guidelines, 2015. Collection method: clinical testing. Allele origin: germline.
Comment: The FAN1 c.2687A>G variant is predicted to result in the amino acid substitution p.Glu896Gly. To our knowledge, this variant has not been reported in the literature or in a large population database (gnomAD), indicating this variant is rare. This variant is interpreted as uncertain in ClinVar (Variation ID: 3277593). At this time, the clinical significance of this variant is uncertain due to the absence of conclusive functional and genetic evidence.

Ambry Genetics
Classification: Uncertain significance for Inborn genetic diseases. Last evaluated: 2024-04-06. Review status: criteria provided, single submitter. Criteria: Ambry Variant Classification Scheme 2023. Collection method: clinical testing. Allele origin: germline.

NM_014967.5(FAN1):c.2687A>G (p.Glu896Gly)

Genes: FAN1 (FANCD2 and FANCI associated nuclease 1; plus strand), MTMR10 (myotubularin related protein 10; minus strand). Cytogenetic location: 15q13.3.
Variant type: single nucleotide variant.
Coding change: c.2687A>G on transcript NM_014967.5 (MANE Select); coding-DNA position 2687, A replaced by G.
Protein change: p.Glu896Gly; replaces glutamic acid 896 with glycine.
Molecular consequence: missense variant.
Genome position (GRCh38, 1-based): chr15:30,929,297, A>G. VCF-style: chr15-30929297-A-G. GRCh37 (hg19) VCF-style: chr15-31221500-A-G.
Other names: short protein forms E896G.
Identifiers: ClinVar variation 3277593 (VCV003277593.2).